The following is an entry in ClinVar:

ClinVar aggregate classification (germline): Uncertain significance. Review status: criteria provided, multiple submitters, no conflicts (2 of 4 stars). 2 submissions from 2 submitters: Uncertain significance (2). Last evaluated 2023-10-13.

Conditions:
Charcot-Marie-Tooth disease type 4. Also called: Charcot-Marie-Tooth, Type 4; Charcot-Marie-Tooth disease, type IV. Identifiers: Orphanet 64749, MedGen C4082197, MONDO:0018995.

Allele frequency attached by ClinVar (database versions not stated): TOPMed 0.00002; ExAC 0.00003; gnomAD exomes 0.00005.

Submissions (2):

Labcorp Genetics (formerly Invitae), Labcorp
Classification: Uncertain significance for Charcot-Marie-Tooth disease type 4. Last evaluated: 2023-10-13. Review status: criteria provided, single submitter. Criteria: Invitae Variant Classification Sherloc (09022015). Collection method: clinical testing. Allele origin: germline.
Comment: This sequence change replaces valine, which is neutral and non-polar, with methionine, which is neutral and non-polar, at codon 613 of the PRX protein (p.Val613Met). This variant is present in population databases (rs773222045, gnomAD 0.02%). This variant has not been reported in the literature in individuals affected with PRX-related conditions. ClinVar contains an entry for this variant (Variation ID: 216833). An algorithm developed to predict the effect of missense changes on protein structure and function (PolyPhen-2) suggests that this variant is likely to be disruptive. In summary, the available evidence is currently insufficient to determine the role of this variant in disease. Therefore, it has been classified as a Variant of Uncertain Significance.

Mayo Clinic Laboratories, Mayo Clinic
Classification: Uncertain significance. Last evaluated: 2023-06-01. Review status: criteria provided, single submitter. Criteria: ACMG Guidelines, 2015. Collection method: clinical testing. Allele origin: germline. Observed: 1 variant allele.
Comment: BP4

Literature cited by the submitters: PubMed 25614874 (cited by Mayo Clinic Laboratories, Mayo Clinic).

NM_181882.3(PRX):c.1837G>A (p.Val613Met)

Gene: PRX (periaxin; minus strand). Cytogenetic location: 19q13.2.
Variant type: single nucleotide variant.
Coding change: c.1837G>A on transcript NM_181882.3 (MANE Select); coding-DNA position 1837, G replaced by A.
Protein change: p.Val613Met; replaces valine 613 with methionine.
Molecular consequence: missense variant. On other transcripts: 3 prime UTR variant (1).
Genome position (GRCh38, 1-based): chr19:40,396,515, C>T on the plus strand (G>A on the coding strand, the complement: PRX is on the minus strand). VCF-style: chr19-40396515-C-T. GRCh37 (hg19) VCF-style: chr19-40902422-C-T.
Other names: p.Val613Met; c.*2042G>A (NM_020956.2); short protein forms V613M.
Identifiers: ClinVar variation 216833 (VCV000216833.9), dbSNP rs773222045, ClinGen allele CA339187.